The following is an entry in ClinVar:

NM_000089.4(COL1A2):c.825_833dup (p.Pro281_Arg282insAlaGlyPro)

Gene: COL1A2 (collagen type I alpha 2 chain; plus strand). Cytogenetic location: 7q21.3.
Variant type: Duplication.
Coding change: c.825_833dup on transcript NM_000089.4 (MANE Select); coding-DNA positions 825 to 833, 9 bases duplicated (TGCTGGTCC; older notation c.825_833dupTGCTGGTCC).
Protein change: p.Pro281_Arg282insAlaGlyPro.
Genome position (GRCh38, 1-based): chr7:94,409,354-94,409,362, TGCTGGTCC duplicated; duplicating any 9 consecutive bases within chr7:94,409,346-94,409,362 gives the same sequence; the c. name uses the placement nearest the transcript's 3' end. VCF-style (leftmost placement, unchanged base first): chr7-94409345-C-CGCTGGTCCT. GRCh37 (hg19) VCF-style: chr7-94038657-C-CGCTGGTCCT.
Identifiers: ClinVar variation 4783664 (VCV004783664.1).

ClinVar aggregate classification (germline): Uncertain significance (1 of 4 stars; one submission).

Conditions:
Ehlers-Danlos syndrome, classic type, 1 (EDSCL1). Also called: EHLERS-DANLOS SYNDROME, GRAVIS TYPE; EHLERS-DANLOS SYNDROME, SEVERE CLASSIC TYPE; Ehlers-Danlos syndrome, type 1; Ehlers-Danlos Syndrome, Classic Type, COL5A1-Related; EDS I. Identifiers: MedGen C0268335, MONDO:0019567, OMIM 130000.
Osteogenesis imperfecta type I (OI1). Also called: OI, TYPE I; OSTEOGENESIS IMPERFECTA TARDA; OSTEOGENESIS IMPERFECTA WITH BLUE SCLERAE; Osteogenesis imperfecta type 1; Lobstein's Disease; Lobstein disease. Identifiers: Orphanet 216796, Orphanet 666, MedGen C0023931, MONDO:0008146, OMIM 166200. Disease mechanism: loss of function.

Submission:

Labcorp Genetics (formerly Invitae), Labcorp
Classification: Uncertain significance for Osteogenesis imperfecta type I; Ehlers-Danlos syndrome, classic type, 1. Last evaluated: 2025-06-15. Review status: criteria provided, single submitter. Criteria: Invitae Variant Classification Sherloc (09022015). Collection method: clinical testing. Allele origin: germline.
Comment: This variant, c.825_833dup, results in the insertion of 3 amino acid(s) of the COL1A2 protein (p.Ala279_Pro281dup), but otherwise preserves the integrity of the reading frame. This variant is present in population databases (rs774553579, gnomAD 0.003%). This variant has been observed in individual(s) with osteogenesis imperfecta (PMID: 22753364). Experimental studies and prediction algorithms are not available or were not evaluated, and the functional significance of this variant is currently unknown. In summary, the available evidence is currently insufficient to determine the role of this variant in disease. Therefore, it has been classified as a Variant of Uncertain Significance.

Literature cited by the submitters: PubMed 22753364.